The following is an entry in ClinVar:

NM_002968.3(SALL1):c.419C>A (p.Ser140Tyr)

Gene: SALL1 (spalt like transcription factor 1; minus strand). Cytogenetic location: 16q12.1.
Variant type: single nucleotide variant.
Coding change: c.419C>A on transcript NM_002968.3 (MANE Select); coding-DNA position 419, C replaced by A.
Protein change: p.Ser140Tyr; replaces serine 140 with tyrosine.
Molecular consequence: missense variant.
Genome position (GRCh38, 1-based): chr16:51,141,803, G>T on the plus strand (C>A on the coding strand, the complement: SALL1 is on the minus strand). VCF-style: chr16-51141803-G-T. GRCh37 (hg19) VCF-style: chr16-51175714-G-T.
Other names: c.128C>A, p.Ser43Tyr (NM_001127892.2); short protein forms S140Y, S43Y.
Identifiers: ClinVar variation 2777025 (VCV002777025.3), dbSNP rs1393016727, ClinGen allele CA395892082.

ClinVar aggregate classification (germline): Uncertain significance (1 of 4 stars; one submission).

Conditions:
Townes syndrome (TBS). Also called: Townes-Brocks syndrome. Identifiers: Orphanet 857, MedGen C0265246, MeSH C536974, MONDO:0007142.

Submission:

Labcorp Genetics (formerly Invitae), Labcorp
Classification: Uncertain significance for Townes syndrome. Last evaluated: 2025-06-12. Review status: criteria provided, single submitter. Criteria: Invitae Variant Classification Sherloc (09022015). Collection method: clinical testing. Allele origin: germline.
Comment: This sequence change replaces serine, which is neutral and polar, with tyrosine, which is neutral and polar, at codon 140 of the SALL1 protein (p.Ser140Tyr). This variant is present in population databases (no rsID available, gnomAD 0.003%). This variant has not been reported in the literature in individuals affected with SALL1-related conditions. ClinVar contains an entry for this variant (Variation ID: 2777025). An algorithm developed to predict the effect of missense changes on protein structure and function (PolyPhen-2) suggests that this variant is likely to be tolerated. In summary, the available evidence is currently insufficient to determine the role of this variant in disease. Therefore, it has been classified as a Variant of Uncertain Significance.